The following is an entry in ClinVar:

ClinVar aggregate classification (germline): Conflicting classifications of pathogenicity. Review status: criteria provided, conflicting classifications (1 of 4 stars). 3 submissions from 3 submitters: Uncertain significance (2); Likely benign (1). Last evaluated 2024-04-15.

Conditions:
Hereditary cancer-predisposing syndrome. Also called: Tumor predisposition; Neoplastic Syndromes, Hereditary; Hereditary neoplastic syndrome; Hereditary Cancer Syndrome. Identifiers: Orphanet 140162, MedGen C0027672, MeSH D009386, MONDO:0015356.
Ataxia-telangiectasia syndrome (AT). Also called: Ataxia-telangiectasia, complementation group D; AT, COMPLEMENTATION GROUP C; ATAXIA-TELANGIECTASIA, COMPLEMENTATION GROUP A; ATAXIA-TELANGIECTASIA, FRESNO VARIANT; Ataxia-telangiectasia; Ataxia telangiectasia (A-T). Identifiers: Orphanet 100, MedGen C0004135, MONDO:0008840, OMIM 208900.

Submissions (3):

Labcorp Genetics (formerly Invitae), Labcorp
Classification: Uncertain significance for Ataxia-telangiectasia syndrome. Last evaluated: 2024-04-15. Review status: criteria provided, single submitter. Criteria: Invitae Variant Classification Sherloc (09022015). Collection method: clinical testing. Allele origin: germline.
Comment: This sequence change replaces methionine, which is neutral and non-polar, with threonine, which is neutral and polar, at codon 3011 of the ATM protein (p.Met3011Thr). This variant is not present in population databases (gnomAD no frequency). This variant has not been reported in the literature in individuals affected with ATM-related conditions. ClinVar contains an entry for this variant (Variation ID: 923450). An algorithm developed to predict the effect of missense changes on protein structure and function (PolyPhen-2) suggests that this variant is likely to be tolerated. In summary, the available evidence is currently insufficient to determine the role of this variant in disease. Therefore, it has been classified as a Variant of Uncertain Significance.

Ambry Genetics
Classification: Likely benign for Hereditary cancer-predisposing syndrome. Last evaluated: 2024-01-18. Review status: criteria provided, single submitter. Criteria: Ambry Variant Classification Scheme 2023. Collection method: clinical testing. Allele origin: germline.

Color Diagnostics, LLC DBA Color Health
Classification: Uncertain significance for Hereditary cancer-predisposing syndrome. Last evaluated: 2019-08-02. Review status: criteria provided, single submitter. Criteria: ACMG Guidelines, 2015. Collection method: clinical testing. Allele origin: germline.
Comment: This missense variant replaces methionine with threonine at codon 3011 of the ATM protein. Computational prediction tools and conservation analyses are inconclusive regarding the impact of this variant on the protein function. Computational splicing tools suggest that this variant may not impact RNA splicing. To our knowledge, functional assays have not been performed for this variant nor has this variant been reported in individuals affected with hereditary cancer in the literature. This variant has not been identified in the general population by the Genome Aggregation Database (gnomAD). Available evidence is insufficient to determine the role of this variant in disease conclusively. Therefore, this variant is classified as a Variant of Uncertain Significance.

NM_000051.4(ATM):c.9032T>C (p.Met3011Thr)

Genes: C11orf65 (chromosome 11 open reading frame 65; minus strand), ATM (ATM serine/threonine kinase; plus strand). Cytogenetic location: 11q22.3.
Variant type: single nucleotide variant.
Coding change: c.9032T>C on transcript NM_000051.4 (MANE Select); coding-DNA position 9032, T replaced by C.
Protein change: p.Met3011Thr; replaces methionine 3011 with threonine.
Molecular consequence: missense variant. On other transcripts: intron variant (2).
Genome position (GRCh38, 1-based): chr11:108,365,369, T>C. VCF-style: chr11-108365369-T-C. GRCh37 (hg19) VCF-style: chr11-108236096-T-C.
Other names: c.694+20551A>G (NM_001351110.2); c.9032T>C, p.Met3011Thr (NM_001351834.2); c.640+20551A>G (NM_001330368.2); short protein forms M3011T.
Identifiers: ClinVar variation 923450 (VCV000923450.12), dbSNP rs1555151804, ClinGen allele CA382531205.
Genomic context (GRCh38, chr11:108,365,369, plus strand): 5'-GTGTTTTTGTCCTTAGTGATATTGACCAGAGTTTCAACAAAGTAGCTGAACGTGTCTTAA[T>C]GAGACTACAAGAGAAACTGAAAGGAGTGGAAGAAGGCACTGTGCTCAGTGTTGGTGGACA-3'
Protein context (NP_000042.3, residues 3001-3021): SFNKVAERVL[Met3011Thr]RLQEKLKGVE